The following is an entry in ClinVar:

NM_003482.4(KMT2D):c.6752C>T (p.Ser2251Leu)

Gene: KMT2D (lysine methyltransferase 2D; minus strand). Cytogenetic location: 12q13.12.
Variant type: single nucleotide variant.
Coding change: c.6752C>T on transcript NM_003482.4 (MANE Select); coding-DNA position 6752, C replaced by T.
Protein change: p.Ser2251Leu; replaces serine 2251 with leucine.
Molecular consequence: missense variant.
Genome position (GRCh38, 1-based): chr12:49,041,018, G>A on the plus strand (C>T on the coding strand, the complement: KMT2D is on the minus strand). VCF-style: chr12-49041018-G-A. GRCh37 (hg19) VCF-style: chr12-49434801-G-A.
Other names: short protein forms S2251L.
Identifiers: ClinVar variation 94242 (VCV000094242.43), dbSNP rs189199944, ClinGen allele CA147701.

ClinVar aggregate classification (germline): Conflicting classifications of pathogenicity. Review status: criteria provided, conflicting classifications (1 of 4 stars). 8 submissions from 8 submitters: Uncertain significance (1); Benign (5); Likely benign (1). 1 of the submissions does not count toward it. Last evaluated 2026-09-01.

Conditions:
Kabuki syndrome. Also called: NIIKAWA-KUROKI SYNDROME; Kabuki make-up syndrome. Identifiers: Orphanet 2322, MedGen C0796004, MONDO:0016512.
Kabuki syndrome 1 (KABUK1). Also called: KMT2D-Related Kabuki Syndrome. Identifiers: Orphanet 2322, MedGen CN030661, MONDO:0007843, OMIM 147920.

Allele frequency attached by ClinVar (database versions not stated): 1000 Genomes Project 0.00140; ExAC 0.00194; gnomAD 0.00200 and 0.00196; ESP Exome Variant Server 0.00058; 1000 Genomes Project 30x 0.00156; gnomAD exomes 0.00162 and 0.00242; TOPMed 0.00247.
gnomAD v4.1: 2,597 of 1,582,118 alleles (0.16%); highest among the groups gnomAD compares: Admixed American, 1.2%; 8 homozygotes.

Submissions (8):

CeGaT Center for Human Genetics Tuebingen
Classification: Likely benign. Last evaluated: 2026-09-01. Review status: criteria provided, single submitter. Criteria: CeGaT Center For Human Genetics Tuebingen Variant Classification Criteria Version 2. Collection method: clinical testing. Allele origin: germline. Affected: yes. Observed: 15 variant alleles.
Comment: KMT2D: BS1

Labcorp Genetics (formerly Invitae), Labcorp
Classification: Benign for Kabuki syndrome. Last evaluated: 2026-01-28. Review status: criteria provided, single submitter. Criteria: Invitae Variant Classification Sherloc (09022015). Collection method: clinical testing. Allele origin: germline.

GeneDx
Classification: Benign. Last evaluated: 2020-01-14. Review status: criteria provided, single submitter. Criteria: GeneDx Variant Classification Process June 2021. Collection method: clinical testing. Allele origin: germline. Affected: yes.
Comment: This variant is associated with the following publications: (PMID: 28933623)

Athena Diagnostics
Classification: Benign. Last evaluated: 2018-10-16. Review status: criteria provided, single submitter. Criteria: Athena Diagnostics Criteria. Collection method: clinical testing. Allele origin: germline.

Center for Human Genetics, Inc
Classification: Uncertain significance for Kabuki syndrome 1. Last evaluated: 2016-11-01. Review status: criteria provided, single submitter. Criteria: ACMG Guidelines, 2015. Collection method: clinical testing. Allele origin: germline. Affected: yes.

Eurofins Ntd Llc (ga)
Classification: Benign. Last evaluated: 2013-01-02. Review status: criteria provided, single submitter. Criteria: EGL Classification Definitions 2015. Collection method: clinical testing. Allele origin: germline. Observed: 1 variant allele, 1 heterozygote.

PreventionGenetics, part of Exact Sciences
Classification: Benign. Review status: criteria provided, single submitter. Criteria: ACMG Guidelines, 2015. Collection method: clinical testing. Allele origin: germline.

ITMI
No classification provided. Condition: AllHighlyPenetrant. Last evaluated: 2013-09-19. Review status: no classification provided. Collection method: reference population. Allele origin: germline. Not counted in ClinVar's aggregate classification.
Comment: Please see associated publication for description of ethnicities

Literature cited by the submitters: PubMed 24728327 (cited by ITMI).